The following is an entry in ClinVar:

NM_031844.3(HNRNPU):c.184C>G (p.Leu62Val)

Gene: HNRNPU (heterogeneous nuclear ribonucleoprotein U; minus strand). Cytogenetic location: 1q44.
Variant type: single nucleotide variant.
Coding change: c.184C>G on transcript NM_031844.3 (MANE Select); coding-DNA position 184, C replaced by G.
Protein change: p.Leu62Val; replaces leucine 62 with valine.
Molecular consequence: missense variant.
Genome position (GRCh38, 1-based): chr1:244,864,124, G>C on the plus strand (C>G on the coding strand, the complement: HNRNPU is on the minus strand). VCF-style: chr1-244864124-G-C. GRCh37 (hg19) VCF-style: chr1-245027426-G-C.
Other names: c.184C>G, p.Leu62Val (NM_004501.3); short protein forms L62V.
Identifiers: ClinVar variation 3055244 (VCV003055244.2), dbSNP rs2527895970, ClinGen allele CA345497739.
Genomic context (GRCh38, chr1:244,864,124, plus strand): 5'-CGCCGGCCGCGGCCTCCTGCTCGAGGCCTGCTCCCGAGCGCCCAGCGGAATCCCCGCCCA[G>C]GTCTAGGCTGCCGTTCCCGGGCTCCATGGCGGGGCGGCCCCCGGCCTCCTCGTCGTCCAG-3'
Protein context (NP_114032.2, residues 52-72): AMEPGNGSLD[Leu62Val]GGDSAGRSGA

ClinVar aggregate classification (germline): Uncertain significance (0 of 4 stars; one submission).

Conditions:
HNRNPU-related disorder. Also called: HNRNPU-related condition.

gnomAD v4.1: 1 of 1,598,976 alleles (0.000063%); highest among the groups gnomAD compares: Non-Finnish European, 0.000085%; no homozygotes.

Submission:

PreventionGenetics, part of Exact Sciences
Classification: Uncertain significance for HNRNPU-related condition. Last evaluated: 2023-12-05. Review status: no assertion criteria provided. Collection method: clinical testing. Allele origin: germline.
Comment: The HNRNPU c.184C>G variant is predicted to result in the amino acid substitution p.Leu62Val. To our knowledge, this variant has not been reported in the literature or in a large population database, indicating this variant is rare. At this time, the clinical significance of this variant is uncertain due to the absence of conclusive functional and genetic evidence.